The following is an entry in ClinVar:

NM_000465.4(BARD1):c.1262C>G (p.Ala421Gly)

Gene: BARD1 (BRCA1 associated RING domain 1; minus strand). Cytogenetic location: 2q35.
Variant type: single nucleotide variant.
Coding change: c.1262C>G on transcript NM_000465.4 (MANE Select); coding-DNA position 1262, C replaced by G.
Protein change: p.Ala421Gly; replaces alanine 421 with glycine.
Molecular consequence: missense variant. On other transcripts: non-coding transcript variant (2), intron variant (3).
Genome position (GRCh38, 1-based): chr2:214,780,612, G>C on the plus strand (C>G on the coding strand, the complement: BARD1 is on the minus strand). VCF-style: chr2-214780612-G-C. GRCh37 (hg19) VCF-style: chr2-215645336-G-C.
Other names: c.1205C>G, p.Ala402Gly (NM_001282543.2); c.159-28057C>G (NM_001282548.2); c.215+16449C>G (NM_001282545.2); c.364+11685C>G (NM_001282549.2); c.1262C>G (NM_000465.2); short protein forms A421G, A402G.
Identifiers: ClinVar variation 629879 (VCV000629879.9), dbSNP rs766209380, ClinGen allele CA2090320.
Genomic context (GRCh38, chr2:214,780,612, plus strand): 5'-CATCCTACCTTAATAGAAGCAATATGGAGCAAAGTCTCTCCTCTATGATTTCTTTTCACA[G>C]CCATATTGGGCAACAGCTTCATTGCTGAGGGACTAGACATCACTCGCCTGTAACTTGAAC-3'
Protein context (NP_000456.2, residues 411-431): PSAMKLLPNM[Ala421Gly]VKRNHRGETL

ClinVar aggregate classification (germline): Uncertain significance. Review status: criteria provided, multiple submitters, no conflicts (2 of 4 stars). 3 submissions from 3 submitters: Uncertain significance (3). Last evaluated 2025-07-14.

Conditions:
Hereditary cancer-predisposing syndrome. Also called: Neoplastic Syndromes, Hereditary; Tumor predisposition; Hereditary neoplastic syndrome; Hereditary Cancer Syndrome. Identifiers: Orphanet 140162, MedGen C0027672, MeSH D009386, MONDO:0015356.
Familial cancer of breast. Also called: BREAST CANCER, FAMILIAL; Hereditary breast cancer; hereditary breast carcinoma. Identifiers: Orphanet 227535, MedGen C0346153, MONDO:0016419, OMIM 114480. Disease mechanism: loss of function.

Allele frequency attached by ClinVar (database versions not stated): gnomAD exomes 0.00001; ExAC 0.00002.
gnomAD v4.1: 3 of 1,614,060 alleles (0.00019%); highest among the groups gnomAD compares: Non-Finnish European, 0.00017%; no homozygotes.

Submissions (3):

Ambry Genetics
Classification: Uncertain significance for Hereditary cancer-predisposing syndrome. Last evaluated: 2025-07-14. Review status: criteria provided, single submitter. Criteria: Ambry Variant Classification Scheme 2023. Collection method: clinical testing. Allele origin: germline.
Comment: The p.A421G variant (also known as c.1262C>G), located in coding exon 4 of the BARD1 gene, results from a C to G substitution at nucleotide position 1262. The alanine at codon 421 is replaced by glycine, an amino acid with similar properties. This amino acid position is conserved. In addition, this alteration is predicted to be tolerated by in silico analysis. Based on the available evidence, the clinical significance of this variant remains unclear.

Labcorp Genetics (formerly Invitae), Labcorp
Classification: Uncertain significance for Familial cancer of breast. Last evaluated: 2024-02-22. Review status: criteria provided, single submitter. Criteria: Invitae Variant Classification Sherloc (09022015). Collection method: clinical testing. Allele origin: germline.
Comment: This sequence change replaces alanine, which is neutral and non-polar, with glycine, which is neutral and non-polar, at codon 421 of the BARD1 protein (p.Ala421Gly). This variant is present in population databases (rs766209380, gnomAD 0.004%). This variant has not been reported in the literature in individuals affected with BARD1-related conditions. ClinVar contains an entry for this variant (Variation ID: 629879). An algorithm developed to predict the effect of missense changes on protein structure and function (PolyPhen-2) suggests that this variant is likely to be tolerated. In summary, the available evidence is currently insufficient to determine the role of this variant in disease. Therefore, it has been classified as a Variant of Uncertain Significance.

Color Diagnostics, LLC DBA Color Health
Classification: Uncertain significance for Hereditary cancer-predisposing syndrome. Last evaluated: 2023-12-05. Review status: criteria provided, single submitter. Criteria: ACMG Guidelines, 2015. Collection method: clinical testing. Allele origin: germline.
Comment: This missense variant replaces alanine with glycine at codon 421 of the BARD1 protein. Computational prediction suggests that this variant may not impact protein structure and function (internally defined REVEL score threshold <= 0.5, PMID: 27666373). To our knowledge, functional studies have not been reported for this variant. This variant has not been reported in individuals affected with BARD1-related disorders in the literature. This variant has been identified in 2/250936 chromosomes in the general population by the Genome Aggregation Database (gnomAD). The available evidence is insufficient to determine the role of this variant in disease conclusively. Therefore, this variant is classified as a Variant of Uncertain Significance.